The following is an entry in ClinVar:

NM_006767.4(LZTR1):c.1620T>C (p.His540=)

Gene: LZTR1 (leucine zipper like post translational regulator 1; plus strand). Cytogenetic location: 22q11.21.
Variant type: single nucleotide variant.
Coding change: c.1620T>C on transcript NM_006767.4 (MANE Select); coding-DNA position 1620, T replaced by C.
Protein change: p.His540=; no amino-acid change (histidine 540 retained).
Molecular consequence: synonymous variant.
Genome position (GRCh38, 1-based): chr22:20,994,562, T>C. VCF-style: chr22-20994562-T-C. GRCh37 (hg19) VCF-style: chr22-21348851-T-C.
Identifiers: ClinVar variation 918100 (VCV000918100.29), dbSNP rs141610191, ClinGen allele CA10119007.

ClinVar aggregate classification (germline): Benign/Likely benign. Review status: criteria provided, multiple submitters, no conflicts (2 of 4 stars). 7 submissions from 7 submitters: Benign (2); Likely benign (5). Last evaluated 2026-07-01.

Conditions:
Cardiovascular phenotype. Identifiers: MedGen CN230736.
Hereditary cancer-predisposing syndrome. Also called: Hereditary Cancer Syndrome; Neoplastic Syndromes, Hereditary; Tumor predisposition; Hereditary neoplastic syndrome. Identifiers: Orphanet 140162, MedGen C0027672, MeSH D009386, MONDO:0015356.
Noonan syndrome 2 (NS2). Identifiers: Orphanet 648, MedGen C1854469, MONDO:0011531, OMIM 605275.
Noonan syndrome 10 (NS10). Identifiers: Orphanet 648, MedGen C4225280, MONDO:0014693, OMIM 616564.
LZTR1-related schwannomatosis. Also called: Schwannomatosis-2, susceptibility to; Schwannomatosis 2. Identifiers: Orphanet 93921, MedGen C3810283, MONDO:0014299, OMIM 615670.

Allele frequency attached by ClinVar (database versions not stated): ExAC 0.00044; ESP Exome Variant Server 0.00146; TOPMed 0.00174; 1000 Genomes Project 0.00240; 1000 Genomes Project 30x 0.00265.
gnomAD v4.1: 445 of 1,609,662 alleles (0.028%); highest among the groups gnomAD compares: African/African-American, 0.54%; 2 homozygotes.

Submissions (7):

CeGaT Center for Human Genetics Tuebingen
Classification: Likely benign. Last evaluated: 2026-07-01. Review status: criteria provided, single submitter. Criteria: CeGaT Center For Human Genetics Tuebingen Variant Classification Criteria Version 2. Collection method: clinical testing. Allele origin: germline. Affected: yes. Observed: 2 variant alleles.
Comment: LZTR1: BP4, BP7

Labcorp Genetics (formerly Invitae), Labcorp
Classification: Benign. Last evaluated: 2026-02-02. Review status: criteria provided, single submitter. Criteria: Invitae Variant Classification Sherloc (09022015). Collection method: clinical testing. Allele origin: germline.

Blueprint Genetics
Classification: Likely benign. Last evaluated: 2024-10-02. Review status: criteria provided, single submitter. Criteria: ACMG Guidelines, 2015. Collection method: clinical testing. Allele origin: germline.

Fulgent Genetics
Classification: Likely benign for Noonan syndrome 2; LZTR1-related schwannomatosis; Noonan syndrome 10. Last evaluated: 2022-04-05. Review status: criteria provided, single submitter. Criteria: ACMG Guidelines, 2015. Collection method: clinical testing. Allele origin: unknown.

GeneDx
Classification: Likely benign. Last evaluated: 2021-03-04. Review status: criteria provided, single submitter. Criteria: GeneDx Variant Classification Process June 2021. Collection method: clinical testing. Allele origin: germline. Affected: yes.

Ambry Genetics
Classification: Likely benign for Cardiovascular phenotype; Hereditary cancer-predisposing syndrome. Last evaluated: 2020-08-05. Review status: criteria provided, single submitter. Criteria: Ambry Variant Classification Scheme 2023. Collection method: clinical testing. Allele origin: germline.

Women's Health and Genetics/Laboratory Corporation of America, LabCorp
Classification: Benign. Last evaluated: 2020-03-23. Review status: criteria provided, single submitter. Criteria: LabCorp Variant Classification Summary - May 2015. Collection method: clinical testing. Allele origin: germline.
Comment: Variant summary: LZTR1 c.1620T>C alters a non-conserved nucleotide resulting in a synonymous change. 4/4 computational tools predict no significant impact on normal splicing. However, these predictions have yet to be confirmed by functional studies. The variant allele was found at a frequency of 0.00053 in 279654 control chromosomes, predominantly at a frequency of 0.0055 within the African or African-American subpopulation in the gnomAD database, including 1 homozygotes. The observed variant frequency within African or African-American control individuals in the gnomAD database is approximately 1100 fold of the estimated maximal expected allele frequency for a pathogenic variant in LZTR1 causing Noonan Syndrome and Related Conditions phenotype (5e-06), strongly suggesting that the variant is a benign polymorphism found primarily in populations of African or African-American origin. To our knowledge, no occurrence of c.1620T>C in individuals affected with Noonan Syndrome and Related Conditions and no experimental evidence demonstrating its impact on protein function have been reported. No clinical diagnostic laboratories have submitted clinical-significance assessments for this variant to ClinVar after 2014. Based on the evidence outlined above, the variant was classified as benign.